The following is an entry in ClinVar:

NM_015915.5(ATL1):c.990+11C>T

Gene: ATL1 (atlastin GTPase 1; plus strand). Cytogenetic location: 14q22.1.
Variant type: single nucleotide variant.
Coding change: c.990+11C>T on transcript NM_015915.5 (MANE Select); 11 bases into the intron after coding-DNA position 990, C replaced by T.
Molecular consequence: intron variant.
Genome position (GRCh38, 1-based): chr14:50,620,737, C>T. VCF-style: chr14-50620737-C-T. GRCh37 (hg19) VCF-style: chr14-51087455-C-T.
Other names: c.990+11C>T (NM_001127713.1, NM_181598.4).
Identifiers: ClinVar variation 668289 (VCV000668289.6), dbSNP rs750229341, ClinGen allele CA7180375.

ClinVar aggregate classification (germline): Likely benign. Review status: criteria provided, multiple submitters, no conflicts (2 of 4 stars). 3 submissions from 3 submitters: Likely benign (3). Last evaluated 2025-10-02.

Conditions:
Hereditary spastic paraplegia 3A (SPG3A). Also called: SPASTIC PARAPLEGIA 3, AUTOSOMAL DOMINANT; FAMILIAL SPASTIC PARAPLEGIA, AUTOSOMAL DOMINANT, 1; SPG3; STRUMPELL DISEASE; Spastic Paraplegia 3A; Spastic paraplegia 3A, autosomal dominant. Identifiers: Orphanet 100984, MedGen C2931355, MONDO:0008437, OMIM 182600.

Allele frequency attached by ClinVar (database versions not stated): ExAC 0.00003; gnomAD 0.00003; gnomAD exomes 0.00003; TOPMed 0.00005.
gnomAD v4.1: 108 of 1,612,542 alleles (0.0067%); highest among the groups gnomAD compares: Middle Eastern, 0.38%; 1 homozygote.

Submissions (3):

Labcorp Genetics (formerly Invitae), Labcorp
Classification: Likely benign for Hereditary spastic paraplegia 3A. Last evaluated: 2025-10-02. Review status: criteria provided, single submitter. Criteria: Invitae Variant Classification Sherloc (09022015). Collection method: clinical testing. Allele origin: germline.

Genomic Medicine Center of Excellence, King Faisal Specialist Hospital and Research Centre
Classification: Likely benign. Last evaluated: 2025-08-18. Review status: criteria provided, single submitter. Criteria: ACMG Guidelines, 2015. Collection method: clinical testing. Allele origin: germline.

GeneDx
Classification: Likely benign. Last evaluated: 2018-05-11. Review status: criteria provided, single submitter. Criteria: GeneDx Variant Classification (06012015). Collection method: clinical testing. Allele origin: germline. Affected: yes.
Comment: This variant is considered likely benign or benign based on one or more of the following criteria: it is a conservative change, it occurs at a poorly conserved position in the protein, it is predicted to be benign by multiple in silico algorithms, and/or has population frequency not consistent with disease.